The following is an entry in ClinVar:

NM_005559.4(LAMA1):c.4665C>T (p.Ser1555=)

Gene: LAMA1 (laminin subunit alpha 1; minus strand). Cytogenetic location: 18p11.31.
Variant type: single nucleotide variant.
Coding change: c.4665C>T on transcript NM_005559.4 (MANE Select); coding-DNA position 4665, C replaced by T.
Protein change: p.Ser1555=; no amino-acid change (serine 1555 retained).
Molecular consequence: synonymous variant.
Genome position (GRCh38, 1-based): chr18:6,997,883, G>A on the plus strand (C>T on the coding strand, the complement: LAMA1 is on the minus strand). VCF-style: chr18-6997883-G-A. GRCh37 (hg19) VCF-style: chr18-6997882-G-A.
Identifiers: ClinVar variation 380297 (VCV000380297.3), dbSNP rs1057520816, ClinGen allele CA16607644.

ClinVar aggregate classification (germline): Likely benign. Review status: criteria provided, multiple submitters, no conflicts (2 of 4 stars). 3 submissions from 3 submitters: Likely benign (3). Last evaluated 2026-07-21.

Conditions:
LAMA1-related disorder. Also called: LAMA1-related condition; LAMA1-related disorders.

Allele frequency attached by ClinVar (database versions not stated): gnomAD exomes below 0.00001.
gnomAD v4.1: 2 of 1,613,996 alleles (0.00012%); highest among the groups gnomAD compares: Non-Finnish European, 0.00017%; no homozygotes.

Submissions (3):

PreventionGenetics, part of Exact Sciences
Classification: Likely benign for LAMA1-related condition. Last evaluated: 2026-07-21. Review status: criteria provided, single submitter. Criteria: ACMG Guidelines, 2015. Collection method: clinical testing. Allele origin: germline.
Comment: This variant is classified as likely benign based on ACMG/AMP sequence variant interpretation guidelines (Richards et al. 2015 PMID: 25741868, with internal and published modifications).

Labcorp Genetics (formerly Invitae), Labcorp
Classification: Likely benign. Last evaluated: 2025-07-14. Review status: criteria provided, single submitter. Criteria: Invitae Variant Classification Sherloc (09022015). Collection method: clinical testing. Allele origin: germline.

GeneDx
Classification: Likely benign. Last evaluated: 2015-07-13. Review status: criteria provided, single submitter. Criteria: GeneDx Variant Classification (06012015). Collection method: clinical testing. Allele origin: germline. Affected: yes.
Comment: This variant is considered likely benign or benign based on one or more of the following criteria: it is a conservative change, it occurs at a poorly conserved position in the protein, it is predicted to be benign by multiple in silico algorithms, and/or has population frequency not consistent with disease.